The following is an entry in ClinVar:

NM_032229.3(SLITRK6):c.2062C>T (p.His688Tyr)

Gene: SLITRK6 (SLIT and NTRK like family member 6; minus strand). Cytogenetic location: 13q31.1.
Variant type: single nucleotide variant.
Coding change: c.2062C>T on transcript NM_032229.3 (MANE Select); coding-DNA position 2062, C replaced by T.
Protein change: p.His688Tyr; replaces histidine 688 with tyrosine.
Molecular consequence: missense variant.
Genome position (GRCh38, 1-based): chr13:85,794,447, G>A on the plus strand (C>T on the coding strand, the complement: SLITRK6 is on the minus strand). VCF-style: chr13-85794447-G-A. GRCh37 (hg19) VCF-style: chr13-86368582-G-A.
Other names: short protein forms H688Y.
Identifiers: ClinVar variation 1307246 (VCV001307246.2), dbSNP rs374016248, ClinGen allele CA7014971.
Genomic context (GRCh38, chr13:85,794,447, plus strand): 5'-CATTCCTCTCTTCTTCCTCTTCCAGATGCTTTGGACCAAAGGATGGACTTCTATAGACAT[G>A]AACCATGGGGCTCACCATGTGCTGTTCATAGAGTGAGGCAGAGGGTCTTTCAGTAGTGTG-3'
Protein context (NP_115605.2, residues 678-698): YEQHMVSPMV[His688Tyr]VYRSPSFGPK

ClinVar aggregate classification (germline): Uncertain significance (1 of 4 stars; one submission).

Allele frequency attached by ClinVar (database versions not stated): gnomAD 0.00001; gnomAD exomes 0.00001; TOPMed 0.00001; ExAC 0.00002; ESP Exome Variant Server 0.00008.

Submission:

GeneDx
Classification: Uncertain significance. Last evaluated: 2019-07-26. Review status: criteria provided, single submitter. Criteria: GeneDx Variant Classification Process June 2021. Collection method: clinical testing. Allele origin: germline. Affected: yes.
Comment: In silico analysis, which includes protein predictors and evolutionary conservation, supports that this variant does not alter protein structure/function; Has not been previously published as pathogenic or benign to our knowledge